The following is an entry in ClinVar:

ClinVar aggregate classification (germline): Pathogenic (1 of 4 stars; one submission).

Conditions:
CEP120-related disorder. Also called: CEP120-related condition; CEP120-Related Disorders.

gnomAD v4.1: 7 of 1,612,484 alleles (0.00043%); highest among the groups gnomAD compares: Non-Finnish European, 0.00059%; no homozygotes.

Submission:

Women's Health and Genetics/Laboratory Corporation of America, LabCorp
Classification: Pathogenic for CEP120-Related Disorders. Last evaluated: 2025-09-04. Review status: criteria provided, single submitter. Criteria: LabCorp Variant Classification Summary - May 2015. Collection method: clinical testing. Allele origin: germline.
Comment: Variant summary: CEP120 c.116T>A (p.Leu39X) results in a premature termination codon, predicted to cause a truncation of the encoded protein or absence of the protein due to nonsense mediated decay, which are commonly known mechanisms for disease. The variant was absent in 249390 control chromosomes. To our knowledge, no occurrence of c.116T>A in individuals affected with CEP120-related conditions and no experimental evidence demonstrating its impact on protein function have been reported. No submitters have cited clinical-significance assessments for this variant to ClinVar. Based on the evidence outlined above, the variant was classified as pathogenic.

NM_001375405.1(CEP120):c.116T>A (p.Leu39Ter)

Gene: CEP120 (centrosomal protein 120; minus strand). Cytogenetic location: 5q23.2.
Variant type: single nucleotide variant.
Coding change: c.116T>A on transcript NM_001375405.1 (MANE Select); coding-DNA position 116, T replaced by A.
Protein change: p.Leu39Ter; replaces leucine 39 with a stop codon.
Molecular consequence: nonsense. On other transcripts: 5 prime UTR variant (2), non-coding transcript variant (1).
Genome position (GRCh38, 1-based): chr5:123,418,449, A>T on the plus strand (T>A on the coding strand, the complement: CEP120 is on the minus strand). VCF-style: chr5-123418449-A-T. GRCh37 (hg19) VCF-style: chr5-122754143-A-T.
Other names: c.38T>A, p.Leu13Ter (NM_001166226.2); c.116T>A, p.Leu39Ter (NM_001375406.1, NM_001375407.1, NM_153223.4); c.-633T>A (NM_001375408.1); c.-575T>A (NM_001375409.1); short protein forms L13*, L39*.
Identifiers: ClinVar variation 4535790 (VCV004535790.1).
Genomic context (GRCh38, chr5:123,418,449, plus strand): 5'-TCCCAAGCTAACTCAGTAGCAAATTCTGGCTGGTCAGTGTGGTCCACAGGATCAGTAGCC[A>T]ACTGTTCTCCATCAAACTTTGCTTCCACTACAAGCATATGCTTTGGACGTTTGGGGAAAT-3'